The following is an entry in ClinVar:

NM_004655.4(AXIN2):c.1569C>T (p.Ala523=)

Gene: AXIN2 (axin 2; minus strand). Cytogenetic location: 17q24.1.
Variant type: single nucleotide variant.
Coding change: c.1569C>T on transcript NM_004655.4 (MANE Select); coding-DNA position 1569, C replaced by T.
Protein change: p.Ala523=; no amino-acid change (alanine 523 retained).
Molecular consequence: synonymous variant.
Genome position (GRCh38, 1-based): chr17:65,537,467, G>A on the plus strand (C>T on the coding strand, the complement: AXIN2 is on the minus strand). VCF-style: chr17-65537467-G-A. GRCh37 (hg19) VCF-style: chr17-63533585-G-A.
Other names: c.1569C>T, p.Ala523= (NM_001363813.1).
Identifiers: ClinVar variation 668236 (VCV000668236.15), dbSNP rs745968863, ClinGen allele CA8718614.

ClinVar aggregate classification (germline): Benign/Likely benign. Review status: criteria provided, multiple submitters, no conflicts (2 of 4 stars). 4 submissions from 4 submitters: Benign (1); Likely benign (3). Last evaluated 2026-01-27.

Conditions:
Oligodontia-cancer predisposition syndrome. Also called: TOOTH AGENESIS-COLORECTAL CANCER SYNDROME. Identifiers: Orphanet 300576, MedGen C1837750, MONDO:0012075, OMIM 608615. Disease mechanism: loss of function.
Hereditary cancer-predisposing syndrome. Also called: Tumor predisposition; Hereditary neoplastic syndrome; Neoplastic Syndromes, Hereditary; Hereditary Cancer Syndrome. Identifiers: Orphanet 140162, MedGen C0027672, MeSH D009386, MONDO:0015356.

Allele frequency attached by ClinVar (database versions not stated): ExAC 0.00001; gnomAD 0.00001; gnomAD exomes 0.00002.
gnomAD v4.1: 6 of 1,613,790 alleles (0.00037%); highest among the groups gnomAD compares: Admixed American, 0.0017%; no homozygotes.

Submissions (4):

Labcorp Genetics (formerly Invitae), Labcorp
Classification: Likely benign for Oligodontia-cancer predisposition syndrome. Last evaluated: 2026-01-27. Review status: criteria provided, single submitter. Criteria: Invitae Variant Classification Sherloc (09022015). Collection method: clinical testing. Allele origin: germline.

Myriad Genetics, Inc.
Classification: Benign for Oligodontia-cancer predisposition syndrome. Last evaluated: 2024-07-03. Review status: criteria provided, single submitter. Criteria: Myriad Autosomal Dominant, Autosomal Recessive and X-Linked Classification Criteria (2023). Collection method: clinical testing. Allele origin: unknown.
Comment: This variant is considered benign. This variant is a silent/synonymous amino acid change and it is not expected to impact splicing.

Ambry Genetics
Classification: Likely benign for Hereditary cancer-predisposing syndrome. Last evaluated: 2021-06-14. Review status: criteria provided, single submitter. Criteria: Ambry Variant Classification Scheme 2023. Collection method: clinical testing. Allele origin: germline.

GeneDx
Classification: Likely benign. Last evaluated: 2018-03-28. Review status: criteria provided, single submitter. Criteria: GeneDx Variant Classification (06012015). Collection method: clinical testing. Allele origin: germline. Affected: yes.
Comment: This variant is considered likely benign or benign based on one or more of the following criteria: it is a conservative change, it occurs at a poorly conserved position in the protein, it is predicted to be benign by multiple in silico algorithms, and/or has population frequency not consistent with disease.